The following is an entry in ClinVar:

NM_001008537.3(NEXMIF):c.133G>A (p.Ala45Thr)

Gene: NEXMIF (neurite extension and migration factor; minus strand). Cytogenetic location: Xq13.3.
Variant type: single nucleotide variant.
Coding change: c.133G>A on transcript NM_001008537.3 (MANE Select); coding-DNA position 133, G replaced by A.
Protein change: p.Ala45Thr; replaces alanine 45 with threonine.
Molecular consequence: missense variant.
Genome position (GRCh38, 1-based): chrX:74,744,424, C>T on the plus strand (G>A on the coding strand, the complement: NEXMIF is on the minus strand). VCF-style: chrX-74744424-C-T. GRCh37 (hg19) VCF-style: chrX-73964259-C-T.
Other names: short protein forms A45T.
Identifiers: ClinVar variation 289284 (VCV000289284.52), dbSNP rs199960807, ClinGen allele CA10455252.

ClinVar aggregate classification (germline): Conflicting classifications of pathogenicity. Review status: criteria provided, conflicting classifications (1 of 4 stars). 7 submissions from 7 submitters: Uncertain significance (2); Benign (3); Likely benign (2). Last evaluated 2026-01-21.

Allele frequency attached by ClinVar (database versions not stated): gnomAD exomes 0.00028 and 0.00081; gnomAD 0.00030 and 0.00031; TOPMed 0.00030; ExAC 0.00033; ESP Exome Variant Server 0.00038; 1000 Genomes Project 30x 0.00042; 1000 Genomes Project 0.00053.
gnomAD v4.1: 915 of 1,205,848 alleles (0.076%); highest among the groups gnomAD compares: Non-Finnish European, 0.097%; no homozygotes.

Submissions (7):

Labcorp Genetics (formerly Invitae), Labcorp
Classification: Benign. Last evaluated: 2026-01-21. Review status: criteria provided, single submitter. Criteria: Invitae Variant Classification Sherloc (09022015). Collection method: clinical testing. Allele origin: germline.

Blueprint Genetics
Classification: Likely benign. Last evaluated: 2024-09-02. Review status: criteria provided, single submitter. Criteria: ACMG Guidelines, 2015. Collection method: clinical testing. Allele origin: germline.

CeGaT Center for Human Genetics Tuebingen
Classification: Likely benign. Last evaluated: 2023-04-01. Review status: criteria provided, single submitter. Criteria: CeGaT Center For Human Genetics Tuebingen Variant Classification Criteria Version 2. Collection method: clinical testing. Allele origin: germline. Affected: yes. Observed: 2 variant alleles.
Comment: NEXMIF: BP4, BS2

GeneDx
Classification: Benign. Last evaluated: 2020-03-30. Review status: criteria provided, single submitter. Criteria: GeneDx Variant Classification Process June 2021. Collection method: clinical testing. Allele origin: germline. Affected: yes.

Ambry Genetics
Classification: Benign. Last evaluated: 2017-07-09. Review status: criteria provided, single submitter. Criteria: Ambry Variant Classification Scheme 2023. Collection method: clinical testing. Allele origin: germline.

Eurofins Ntd Llc (ga)
Classification: Uncertain significance. Last evaluated: 2016-07-19. Review status: criteria provided, single submitter. Criteria: EGL Classification Definitions 2015. Collection method: clinical testing. Allele origin: germline. Observed: 1 variant allele, 1 hemizygote.

Genetic Services Laboratory, University of Chicago
Classification: Uncertain significance. Last evaluated: 2016-04-15. Review status: criteria provided, single submitter. Criteria: ACMG Guidelines, 2015. Collection method: clinical testing. Allele origin: germline. Affected: no.